The following is an entry in ClinVar:

ClinVar aggregate classification (germline): Uncertain significance (1 of 4 stars; one submission).

Submission:

GeneDx
Classification: Uncertain significance. Last evaluated: 2026-01-26. Review status: criteria provided, single submitter. Criteria: GeneDx Variant Classification Process June 2021. Collection method: clinical testing. Allele origin: germline.
Comment: Not observed at significant frequency in large population cohorts (gnomAD); In silico analysis supports that this missense variant has a deleterious effect on protein structure/function; Has not been previously published as pathogenic or benign to our knowledge

NM_020988.3(GNAO1):c.220T>C (p.Tyr74His)

Gene: GNAO1 (G protein subunit alpha o1; plus strand). Cytogenetic location: 16q13.
Variant type: single nucleotide variant.
Coding change: c.220T>C on transcript NM_020988.3 (MANE Select); coding-DNA position 220, T replaced by C.
Protein change: p.Tyr74His; replaces tyrosine 74 with histidine.
Molecular consequence: missense variant.
Genome position (GRCh38, 1-based): chr16:56,275,989, T>C. VCF-style: chr16-56275989-T-C. GRCh37 (hg19) VCF-style: chr16-56309901-T-C.
Other names: c.220T>C, p.Tyr74His (NM_138736.3); short protein forms Y74H.
Identifiers: ClinVar variation 4975336 (VCV004975336.1).
Genomic context (GRCh38, chr16:56,275,989, plus strand): 5'-AGGATCATCCATGAAGATGGCTTCTCCGGAGAAGACGTGAAACAGTACAAGCCTGTTGTC[T>C]ACAGCAACACTATCCAGTCCCTGGCAGCCATCGTCCGGGCCATGGACACTTTGGGCATCG-3'
Protein context (NP_066268.1, residues 64-84): EDVKQYKPVV[Tyr74His]SNTIQSLAAI